The following is an entry in ClinVar:

ClinVar aggregate classification (germline): Uncertain significance (1 of 4 stars; one submission).

gnomAD v4.1: 1 of 1,588,954 alleles (0.000063%); highest among the groups gnomAD compares: Non-Finnish European, 0.000085%; no homozygotes.

Submission:

Labcorp Genetics (formerly Invitae), Labcorp
Classification: Uncertain significance. Last evaluated: 2024-01-17. Review status: criteria provided, single submitter. Criteria: Invitae Variant Classification Sherloc (09022015). Collection method: clinical testing. Allele origin: germline.
Comment: This sequence change replaces glycine, which is neutral and non-polar, with glutamic acid, which is acidic and polar, at codon 24 of the NTHL1 protein (p.Gly24Glu). The frequency data for this variant in the population databases is considered unreliable, as metrics indicate poor data quality at this position in the gnomAD database. This variant has not been reported in the literature in individuals affected with NTHL1-related conditions. Algorithms developed to predict the effect of missense changes on protein structure and function output the following: SIFT: "Not Available"; PolyPhen-2: "Possibly Damaging"; Align-GVGD: "Not Available". The glutamic acid amino acid residue is found in multiple mammalian species, which suggests that this missense change does not adversely affect protein function. In summary, the available evidence is currently insufficient to determine the role of this variant in disease. Therefore, it has been classified as a Variant of Uncertain Significance.

NM_002528.7(NTHL1):c.47G>A (p.Gly16Glu)

Gene: NTHL1 (nth like DNA glycosylase 1; minus strand). Cytogenetic location: 16p13.3.
Variant type: single nucleotide variant.
Coding change: c.47G>A on transcript NM_002528.7 (MANE Select); coding-DNA position 47, G replaced by A.
Protein change: p.Gly16Glu; replaces glycine 16 with glutamic acid.
Molecular consequence: missense variant. On other transcripts: 5 prime UTR variant (1).
Genome position (GRCh38, 1-based): chr16:2,047,777, C>T on the plus strand (G>A on the coding strand, the complement: NTHL1 is on the minus strand). VCF-style: chr16-2047777-C-T. GRCh37 (hg19) VCF-style: chr16-2097778-C-T.
Other names: c.47G>A, p.Gly16Glu (NM_001318193.2); c.-132G>A (NM_001318194.2); short protein forms G16E.
Identifiers: ClinVar variation 2709759 (VCV002709759.3), dbSNP rs747325774, ClinGen allele CA027835.